The following is an entry in ClinVar:

NC_000009.11:g.(?_137721802)_(137734149_?)dup

Gene: COL5A1 (collagen type V alpha 1 chain; plus strand). Cytogenetic location: 9q34.3.
Variant type: Duplication.
Identifiers: ClinVar variation 3245112 (VCV003245112.1).

ClinVar aggregate classification (germline): Uncertain significance (1 of 4 stars; one submission).

Conditions:
Ehlers-Danlos syndrome, classic type, 1 (EDSCL1). Also called: EHLERS-DANLOS SYNDROME, GRAVIS TYPE; EHLERS-DANLOS SYNDROME, SEVERE CLASSIC TYPE; Ehlers-Danlos syndrome, type 1; Ehlers-Danlos Syndrome, Classic Type, COL5A1-Related; EDS I. Identifiers: MedGen C0268335, MONDO:0019567, OMIM 130000.

Submission:

Labcorp Genetics (formerly Invitae), Labcorp
Classification: Uncertain significance for Ehlers-Danlos syndrome, classic type, 1. Last evaluated: 2024-01-18. Review status: criteria provided, single submitter. Criteria: Invitae Variant Classification Sherloc (09022015). Collection method: clinical testing. Allele origin: unknown.
Comment: This variant results in a copy number gain of the genomic region encompassing exon(s) 64-66 of the COL5A1 gene. This region includes the termination codon of the gene. This copy number gain extends beyond the assayed region for this gene and therefore may encompass additional genes. As the precise location of this event is unknown, it may be in tandem or it may be located elsewhere in the genome. This variant has not been reported in the literature in individuals affected with COL5A1-related conditions. In summary, the available evidence is currently insufficient to determine the role of this variant in disease. Therefore, it has been classified as a Variant of Uncertain Significance.